The following is an entry in ClinVar:

NM_001734.5(C1S):c.1360T>G (p.Phe454Val)

Gene: C1S (complement C1s; plus strand). Cytogenetic location: 12p13.31.
Variant type: single nucleotide variant.
Coding change: c.1360T>G on transcript NM_001734.5 (MANE Select); coding-DNA position 1360, T replaced by G.
Protein change: p.Phe454Val; replaces phenylalanine 454 with valine.
Molecular consequence: missense variant.
Genome position (GRCh38, 1-based): chr12:7,069,944, T>G. VCF-style: chr12-7069944-T-G. GRCh37 (hg19) VCF-style: chr12-7177248-T-G.
Other names: c.859T>G, p.Phe287Val (NM_001346850.2); c.1360T>G, p.Phe454Val (NM_201442.4); short protein forms F454V, F287V.
Identifiers: ClinVar variation 3681676 (VCV003681676.2).

ClinVar aggregate classification (germline): Uncertain significance (1 of 4 stars; one submission).

gnomAD v4.1: 1 of 1,614,174 alleles (0.000062%); highest among the groups gnomAD compares: Non-Finnish European, 0.000085%; no homozygotes.

Submission:

Labcorp Genetics (formerly Invitae), Labcorp
Classification: Uncertain significance. Last evaluated: 2024-11-08. Review status: criteria provided, single submitter. Criteria: Invitae Variant Classification Sherloc (09022015). Collection method: clinical testing. Allele origin: germline.
Comment: This sequence change replaces phenylalanine, which is neutral and non-polar, with valine, which is neutral and non-polar, at codon 454 of the C1S protein (p.Phe454Val). This variant is not present in population databases (gnomAD no frequency). This variant has not been reported in the literature in individuals affected with C1S-related conditions. Invitae Evidence Modeling of protein sequence and biophysical properties (such as structural, functional, and spatial information, amino acid conservation, physicochemical variation, residue mobility, and thermodynamic stability) has been performed for this missense variant. However, the output from this modeling did not meet the statistical confidence thresholds required to predict the impact of this variant on C1S protein function. In summary, the available evidence is currently insufficient to determine the role of this variant in disease. Therefore, it has been classified as a Variant of Uncertain Significance.